The following is an entry in ClinVar:

ClinVar aggregate classification (germline): Uncertain significance (1 of 4 stars; one submission).

Conditions:
Neuromuscular disease caused by qualitative or quantitative defects of dysferlin. Also called: Dysferlinopathy; Qualitative or quantitative defects of dysferlin. Identifiers: Orphanet 207073, MedGen C2931687, MONDO:0016145.

gnomAD v4.1: 1 of 1,613,704 alleles (0.000062%); highest among the groups gnomAD compares: Admixed American, 0.0017%; no homozygotes.

Submission:

Labcorp Genetics (formerly Invitae), Labcorp
Classification: Uncertain significance for Neuromuscular disease caused by qualitative or quantitative defects of dysferlin. Last evaluated: 2022-05-04. Review status: criteria provided, single submitter. Criteria: Invitae Variant Classification Sherloc (09022015). Collection method: clinical testing. Allele origin: germline.
Comment: In summary, the available evidence is currently insufficient to determine the role of this variant in disease. Therefore, it has been classified as a Variant of Uncertain Significance. Advanced modeling of protein sequence and biophysical properties (such as structural, functional, and spatial information, amino acid conservation, physicochemical variation, residue mobility, and thermodynamic stability) performed at Invitae indicates that this missense variant is expected to disrupt DYSF protein function. This variant has not been reported in the literature in individuals affected with DYSF-related conditions. This variant is not present in population databases (gnomAD no frequency). This sequence change replaces proline, which is neutral and non-polar, with threonine, which is neutral and polar, at codon 392 of the DYSF protein (p.Pro392Thr).

NM_001130987.2(DYSF):c.1270C>A (p.Pro424Thr)

Gene: DYSF (dysferlin; plus strand). Cytogenetic location: 2p13.2.
Variant type: single nucleotide variant.
Coding change: c.1270C>A on transcript NM_001130987.2 (MANE Select); coding-DNA position 1270, C replaced by A.
Protein change: p.Pro424Thr; replaces proline 424 with threonine.
Molecular consequence: missense variant.
Genome position (GRCh38, 1-based): chr2:71,526,340, C>A. VCF-style: chr2-71526340-C-A. GRCh37 (hg19) VCF-style: chr2-71753470-C-A.
Other names: c.1177C>A, p.Pro393Thr (NM_001130455.2, NM_001130983.2, NM_001130984.2 and 1 more transcripts); c.1174C>A, p.Pro392Thr (NM_001130976.2, NM_001130977.2, NM_001130978.2 and 1 more transcripts); c.1267C>A, p.Pro423Thr (NM_001130979.2, NM_001130980.2, NM_001130981.2); c.1270C>A, p.Pro424Thr (NM_001130982.2, NM_001130985.2); short protein forms P393T, P392T, P423T, P424T.
Identifiers: ClinVar variation 2133752 (VCV002133752.4), dbSNP rs762086206, ClinGen allele CA347213655.